The following is an entry in ClinVar:

NM_001614.5(ACTG1):c.985-5dup

Gene: ACTG1 (actin gamma 1; minus strand). Cytogenetic location: 17q25.3.
Variant type: Duplication.
Coding change: c.985-5dup on transcript NM_001614.5 (MANE Select); 5 bases into the intron before coding-DNA position 985, one base duplicated (T; older notation c.985-5dupT).
Molecular consequence: intron variant.
Genome position (GRCh38, 1-based): chr17:81,510,838, A duplicated on the plus strand (T on the coding strand, the reverse complement: ACTG1 is on the minus strand); the first of 3 consecutive A bases (chr17:81,510,838-81,510,840); duplicating any one gives the same sequence. VCF-style (leftmost placement, unchanged base first): chr17-81510837-C-CA. GRCh37 (hg19) VCF-style: chr17-79477863-C-CA.
Other names: c.985-5dupT (NM_001614.3); c.985-5dup (NM_001199954.3).
Identifiers: ClinVar variation 439366 (VCV000439366.26), dbSNP rs782289893, ClinGen allele CA8835843.

ClinVar aggregate classification (germline): Likely benign. Review status: criteria provided, multiple submitters, no conflicts (2 of 4 stars). 7 submissions from 7 submitters: Likely benign (5). 2 of the submissions do not count toward it. Last evaluated 2026-01-18.

Conditions:
ACTG1-related disorder. Also called: ACTG1-related condition; ACTG1-related disorders.
Autosomal dominant nonsyndromic hearing loss 20. Identifiers: Orphanet 90635, MedGen C1858172, MONDO:0011480, OMIM 604717.
Baraitser-winter syndrome 2. Identifiers: Orphanet 2995, MedGen C3281235, MONDO:0013812, OMIM 614583.

Submissions (7):

Labcorp Genetics (formerly Invitae), Labcorp
Classification: Likely benign for Baraitser-winter syndrome 2; Autosomal dominant nonsyndromic hearing loss 20. Last evaluated: 2026-01-18. Review status: criteria provided, single submitter. Criteria: Invitae Variant Classification Sherloc (09022015). Collection method: clinical testing. Allele origin: germline.

Blueprint Genetics
Classification: Likely benign. Last evaluated: 2024-03-22. Review status: criteria provided, single submitter. Criteria: ACMG Guidelines, 2015. Collection method: clinical testing. Allele origin: germline.

GeneDx
Classification: Likely benign. Last evaluated: 2021-10-27. Review status: criteria provided, single submitter. Criteria: GeneDx Variant Classification Process June 2021. Collection method: clinical testing. Allele origin: germline. Affected: yes.

ARUP Laboratories, Molecular Genetics and Genomics, ARUP Laboratories
Classification: Likely benign. Last evaluated: 2016-11-11. Review status: criteria provided, single submitter. Criteria: ARUP Molecular Germline Variant Investigation Process. Collection method: clinical testing. Allele origin: germline.

Laboratory for Molecular Medicine, Mass General Brigham Personalized Medicine
Classification: Likely benign. Last evaluated: 2016-04-25. Review status: criteria provided, single submitter. Criteria: LMM Criteria. Collection method: clinical testing. Allele origin: germline. Observed: 1 variant allele.
Comment: c.985-5_985-4insT in intron 5 of ACTG1: This variant is not expected to have cli nical significance because an insertion of a T nucleotide at this position does not diverge from the splice consensus sequence and is therefore unlikely to impa ct splicing. It has been identified in 5/11572 of Latino chromosomes by the Exom e Aggregation Consortium (ExAC; dbSNP rs78228989 3).

PreventionGenetics, part of Exact Sciences
Classification: Likely benign for ACTG1-related condition. Last evaluated: 2022-11-17. Review status: no assertion criteria provided. Collection method: clinical testing. Allele origin: germline. Not counted in ClinVar's aggregate classification.
Comment: This variant is classified as likely benign based on ACMG/AMP sequence variant interpretation guidelines (Richards et al. 2015 PMID: 25741868, with internal and published modifications).

Genetic Services Laboratory, University of Chicago
Classification: Uncertain significance. Last evaluated: 2017-10-24. Review status: flagged submission. Criteria: ACMG Guidelines, 2015. Collection method: clinical testing. Allele origin: germline. Affected: no. Not counted in ClinVar's aggregate classification.
ClinVar note: Reason: Outlier claim with insufficient supporting evidence